The following is an entry in ClinVar:

ClinVar aggregate classification (germline): Uncertain significance (1 of 4 stars; one submission).

Conditions:
Hereditary pancreatitis (PCTT). Also called: Hereditary chronic pancreatitis; PRSS1-Related Hereditary Pancreatitis. Identifiers: Orphanet 676, MedGen C0238339, MONDO:0008185, OMIM 167800.

Allele frequency attached by ClinVar (database versions not stated): TOPMed below 0.00001.

Submission:

Ambry Genetics
Classification: Uncertain significance for Hereditary pancreatitis. Last evaluated: 2025-08-19. Review status: criteria provided, single submitter. Criteria: Ambry Variant Classification Scheme 2023. Collection method: clinical testing. Allele origin: germline.
Comment: The p.G227A variant (also known as c.680G>C), located in coding exon 5 of the PRSS1 gene, results from a G to C substitution at nucleotide position 680. The glycine at codon 227 is replaced by alanine, an amino acid with similar properties. This amino acid position is highly conserved in available vertebrate species. In addition, this alteration is predicted to be deleterious by in silico analysis. Since supporting evidence is limited at this time, the clinical significance of this alteration remains unclear.

NM_002769.5(PRSS1):c.680G>C (p.Gly227Ala)

Genes: TRB (T cell receptor beta locus; plus strand), PRSS1 (serine protease 1; plus strand). Cytogenetic location: 7q34.
Variant type: single nucleotide variant.
Coding change: c.680G>C on transcript NM_002769.5 (MANE Select); coding-DNA position 680, G replaced by C.
Protein change: p.Gly227Ala; replaces glycine 227 with alanine.
Molecular consequence: missense variant. On other transcripts: non-coding transcript variant (5).
Genome position (GRCh38, 1-based): chr7:142,752,956, G>C. VCF-style: chr7-142752956-G-C. GRCh37 (hg19) VCF-style: chr7-142460807-G-C.
Other names: short protein forms G227A.
Identifiers: ClinVar variation 2561593 (VCV002561593.3), dbSNP rs1798879965, ClinGen allele CA369610853.
Genomic context (GRCh38, chr7:142,752,956, plus strand): 5'-ATGGACAGCTCCAAGGAGTTGTCTCCTGGGGTGATGGCTGTGCCCAGAAGAACAAGCCTG[G>C]AGTCTACACCAAGGTCTACAACTATGTGAAATGGATTAAGAACACCATAGCTGCCAATAG-3'
Protein context (NP_002760.1, residues 217-237): GDGCAQKNKP[Gly227Ala]VYTKVYNYVK